The following is an entry in ClinVar:

NM_000431.4(MVK):c.700C>T (p.Leu234=)

Gene: MVK (mevalonate kinase; plus strand). Cytogenetic location: 12q24.11.
Variant type: single nucleotide variant.
Coding change: c.700C>T on transcript NM_000431.4 (MANE Select); coding-DNA position 700, C replaced by T.
Protein change: p.Leu234=; no amino-acid change (leucine 234 retained).
Molecular consequence: synonymous variant.
Genome position (GRCh38, 1-based): chr12:109,590,793, C>T. VCF-style: chr12-109590793-C-T. GRCh37 (hg19) VCF-style: chr12-110028598-C-T.
Other names: c.700C>T (LRG_156t1, NM_000431.3); c.700C>T, p.Leu234= (NM_001114185.3); c.544C>T, p.Leu182= (NM_001301182.2).
Identifiers: ClinVar variation 388141 (VCV000388141.13), dbSNP rs199909816, ClinGen allele CA6779348.
Genomic context (GRCh38, chr12:109,590,793, plus strand): 5'-TGAGTTCAGTGTGGACCTGCCTCCTCTTCACCCTGCAGGTCGCCAGCTCTCCAGATCCTG[C>T]TGACCAACACCAAAGTCCCTCGCAATACCAGGGCCCTTGTGGCTGGCGTCAGAAACAGGC-3'
Protein context (NP_000422.1, residues 224-244): LKRSPALQIL[Leu234=]TNTKVPRNTR

ClinVar aggregate classification (germline): Likely benign. Review status: criteria provided, multiple submitters, no conflicts (2 of 4 stars). 5 submissions from 5 submitters: Likely benign (3). 2 of the submissions do not count toward it. Last evaluated 2026-01-25.

Conditions:
Hyperimmunoglobulin D with periodic fever (HIDS). Also called: Hyperimmunoglobulinemia D; HYPERIMMUNOGLOBULINEMIA D AND PERIODIC FEVER SYNDROME; Hyperimmunoglobulinemia D with periodic fever. Identifiers: Orphanet 343, MedGen C0398691, MONDO:0009849, OMIM 260920.
Porokeratosis 3, disseminated superficial actinic type (POROK3). Also called: POROKERATOSIS 3, MULTIPLE TYPES; POROKERATOSIS 3, MIBELLI TYPE; POROKERATOSIS, DISSEMINATED SUPERFICIAL ACTINIC, 1. Identifiers: MedGen C1867981, MONDO:0008293, OMIM 175900.
Mevalonic aciduria (MEVA). Identifiers: Orphanet 29, MedGen C1959626, MONDO:0012481, OMIM 610377.
MVK-related disorder. Also called: MVK-related condition; MVK-related disorders. Identifiers: MedGen CN239294.

Allele frequency attached by ClinVar (database versions not stated): ExAC 0.00002; gnomAD exomes 0.00002 and 0.00005; gnomAD 0.00003; TOPMed 0.00003.
gnomAD v4.1: 73 of 1,614,110 alleles (0.0045%); highest among the groups gnomAD compares: Non-Finnish European, 0.0058%; no homozygotes.

Submissions (5):

Labcorp Genetics (formerly Invitae), Labcorp
Classification: Likely benign for Mevalonic aciduria; Hyperimmunoglobulin D with periodic fever; Porokeratosis 3, disseminated superficial actinic type. Last evaluated: 2026-01-25. Review status: criteria provided, single submitter. Criteria: Invitae Variant Classification Sherloc (09022015). Collection method: clinical testing. Allele origin: germline.

Blueprint Genetics
Classification: Likely benign. Last evaluated: 2022-03-03. Review status: criteria provided, single submitter. Criteria: ACMG Guidelines, 2015. Collection method: clinical testing. Allele origin: germline.

GeneDx
Classification: Likely benign. Last evaluated: 2019-10-30. Review status: criteria provided, single submitter. Criteria: GeneDx Variant Classification Process June 2021. Collection method: clinical testing. Allele origin: germline. Affected: yes.

PreventionGenetics, part of Exact Sciences
Classification: Likely benign for MVK-related condition. Last evaluated: 2024-08-15. Review status: no assertion criteria provided. Collection method: clinical testing. Allele origin: germline. Not counted in ClinVar's aggregate classification.
Comment: This variant is classified as likely benign based on ACMG/AMP sequence variant interpretation guidelines (Richards et al. 2015 PMID: 25741868, with internal and published modifications).

Molecular Genetics Laboratory, BC Children's and BC Women's Hospitals
Classification: Likely benign for Hyperimmunoglobulin D with periodic fever. Last evaluated: 2022-10-05. Review status: no assertion criteria provided. Criteria: ACMG Guidelines, 2015. Collection method: clinical testing. Allele origin: germline. Affected: yes. Not counted in ClinVar's aggregate classification.